The following is an entry in ClinVar:

NM_080680.3(COL11A2):c.2214+19G>A

Gene: COL11A2 (collagen type XI alpha 2 chain; minus strand). Cytogenetic location: 6p21.32.
Variant type: single nucleotide variant.
Coding change: c.2214+19G>A on transcript NM_080680.3 (MANE Select); 19 bases into the intron after coding-DNA position 2214, G replaced by A.
Molecular consequence: intron variant.
Genome position (GRCh38, 1-based): chr6:33,176,240, C>T on the plus strand (G>A on the coding strand, the complement: COL11A2 is on the minus strand). VCF-style: chr6-33176240-C-T. GRCh37 (hg19) VCF-style: chr6-33144017-C-T.
Other names: c.1893+19G>A (NM_080679.3); c.1956+19G>A (NM_080681.3).
Identifiers: ClinVar variation 511387 (VCV000511387.11), dbSNP rs370515541, ClinGen allele CA3751001.

ClinVar aggregate classification (germline): Likely benign. Review status: criteria provided, multiple submitters, no conflicts (2 of 4 stars). 4 submissions from 4 submitters: Likely benign (4). Last evaluated 2025-12-15.

Allele frequency attached by ClinVar (database versions not stated): gnomAD 0.00003; ExAC 0.00015; ESP Exome Variant Server 0.00071.
gnomAD v4.1: 372 of 1,608,650 alleles (0.023%); highest among the groups gnomAD compares: Non-Finnish European, 0.03%; 1 homozygote.

Submissions (4):

Labcorp Genetics (formerly Invitae), Labcorp
Classification: Likely benign. Last evaluated: 2025-12-15. Review status: criteria provided, single submitter. Criteria: Invitae Variant Classification Sherloc (09022015). Collection method: clinical testing. Allele origin: germline.

Blueprint Genetics
Classification: Likely benign. Last evaluated: 2023-11-06. Review status: criteria provided, single submitter. Criteria: ACMG Guidelines, 2015. Collection method: clinical testing. Allele origin: germline.

Women's Health and Genetics/Laboratory Corporation of America, LabCorp
Classification: Likely benign. Last evaluated: 2023-10-25. Review status: criteria provided, single submitter. Criteria: LabCorp Variant Classification Summary - May 2015. Collection method: clinical testing. Allele origin: germline.
Comment: Variant summary: COL11A2 c.2214+19G>A alters a non-conserved nucleotide located at a position not widely known to affect splicing. Consensus agreement among computation tools predict no significant impact on normal splicing. However, these predictions have yet to be confirmed by functional studies. The variant allele was found at a frequency of 0.00013 in 238004 control chromosomes. This frequency does not allow for any conclusion about variant significance. To our knowledge, no occurrence of c.2214+19G>A in individuals affected with COL11A2-Related Disorders and no experimental evidence demonstrating its impact on protein function have been reported. Two submitters have cited clinical-significance assessments for this variant to ClinVar after 2014. All submitters classified the variant as likely benign. Based on the evidence outlined above, the variant was classified as likely benign.

GeneDx
Classification: Likely benign. Last evaluated: 2017-08-15. Review status: criteria provided, single submitter. Criteria: GeneDx Variant Classification (06012015). Collection method: clinical testing. Allele origin: germline. Affected: yes.
Comment: This variant is considered likely benign or benign based on one or more of the following criteria: it is a conservative change, it occurs at a poorly conserved position in the protein, it is predicted to be benign by multiple in silico algorithms, and/or has population frequency not consistent with disease.